The following is an entry in ClinVar:

NM_001385.3(DPYS):c.603+4C>T

Gene: DPYS (dihydropyrimidinase; minus strand). Cytogenetic location: 8q22.3.
Variant type: single nucleotide variant.
Coding change: c.603+4C>T on transcript NM_001385.3 (MANE Select); 4 bases into the intron after coding-DNA position 603, C replaced by T.
Molecular consequence: intron variant.
Genome position (GRCh38, 1-based): chr8:104,447,320, G>A on the plus strand (C>T on the coding strand, the complement: DPYS is on the minus strand). VCF-style: chr8-104447320-G-A. GRCh37 (hg19) VCF-style: chr8-105459548-G-A.
Identifiers: ClinVar variation 2072135 (VCV002072135.4), dbSNP rs755440287, ClinGen allele CA4838533.

ClinVar aggregate classification (germline): Uncertain significance (1 of 4 stars; one submission).

Allele frequency attached by ClinVar (database versions not stated): gnomAD exomes 0.00001; gnomAD 0.00003; TOPMed 0.00003; ExAC 0.00001.
gnomAD v4.1: 24 of 1,613,756 alleles (0.0015%); highest among the groups gnomAD compares: Middle Eastern, 0.033%; no homozygotes.

Submission:

Labcorp Genetics (formerly Invitae), Labcorp
Classification: Uncertain significance. Last evaluated: 2022-05-07. Review status: criteria provided, single submitter. Criteria: Invitae Variant Classification Sherloc (09022015). Collection method: clinical testing. Allele origin: germline.
Comment: In summary, the available evidence is currently insufficient to determine the role of this variant in disease. Therefore, it has been classified as a Variant of Uncertain Significance. Variants that disrupt the consensus splice site are a relatively common cause of aberrant splicing (PMID: 17576681, 9536098). Algorithms developed to predict the effect of sequence changes on RNA splicing suggest that this variant is not likely to affect RNA splicing. This variant has not been reported in the literature in individuals affected with DPYS-related conditions. This variant is present in population databases (rs755440287, gnomAD 0.01%). This sequence change falls in intron 3 of the DPYS gene. It does not directly change the encoded amino acid sequence of the DPYS protein. It affects a nucleotide within the consensus splice site.

Literature cited by the submitters: PubMed 17576681; PubMed 9536098.